The following is an entry in ClinVar:

ClinVar aggregate classification (germline): Uncertain significance. Review status: criteria provided, multiple submitters, no conflicts (2 of 4 stars). 2 submissions from 2 submitters: Uncertain significance (2). Last evaluated 2025-12-04.

Conditions:
Hereditary nonpolyposis colorectal neoplasms. Identifiers: MedGen C0009405, MeSH D003123.
Hereditary cancer-predisposing syndrome. Also called: Hereditary Cancer Syndrome; Neoplastic Syndromes, Hereditary; Hereditary neoplastic syndrome; Tumor predisposition. Identifiers: Orphanet 140162, MedGen C0027672, MeSH D009386, MONDO:0015356.

gnomAD v4.1: 2 of 1,614,116 alleles (0.00012%); highest among the groups gnomAD compares: Non-Finnish European, 0.00017%; no homozygotes.

Submissions (2):

Ambry Genetics
Classification: Uncertain significance for Hereditary cancer-predisposing syndrome. Last evaluated: 2025-12-04. Review status: criteria provided, single submitter. Criteria: Ambry Variant Classification Scheme 2023. Collection method: clinical testing. Allele origin: germline.
Comment: The p.L941V variant (also known as c.2821C>G), located in coding exon 4 of the MSH6 gene, results from a C to G substitution at nucleotide position 2821. The leucine at codon 941 is replaced by valine, an amino acid with highly similar properties. This amino acid position is well conserved in available vertebrate species. In addition, the in silico prediction for this alteration is inconclusive. Based on the available evidence, the clinical significance of this variant remains unclear.

Labcorp Genetics (formerly Invitae), Labcorp
Classification: Uncertain significance for Hereditary nonpolyposis colorectal neoplasms. Last evaluated: 2022-12-16. Review status: criteria provided, single submitter. Criteria: Invitae Variant Classification Sherloc (09022015). Collection method: clinical testing. Allele origin: germline.
Comment: Advanced modeling of protein sequence and biophysical properties (such as structural, functional, and spatial information, amino acid conservation, physicochemical variation, residue mobility, and thermodynamic stability) performed at Invitae indicates that this missense variant is not expected to disrupt MSH6 protein function. ClinVar contains an entry for this variant (Variation ID: 428345). This variant has not been reported in the literature in individuals affected with MSH6-related conditions. This variant is not present in population databases (gnomAD no frequency). This sequence change replaces leucine, which is neutral and non-polar, with valine, which is neutral and non-polar, at codon 941 of the MSH6 protein (p.Leu941Val). In summary, the available evidence is currently insufficient to determine the role of this variant in disease. Therefore, it has been classified as a Variant of Uncertain Significance.

NM_000179.3(MSH6):c.2821C>G (p.Leu941Val)

Gene: MSH6 (mutS homolog 6; plus strand). Cytogenetic location: 2p16.3.
Variant type: single nucleotide variant.
Coding change: c.2821C>G on transcript NM_000179.3 (MANE Select); coding-DNA position 2821, C replaced by G.
Protein change: p.Leu941Val; replaces leucine 941 with valine.
Molecular consequence: missense variant.
Genome position (GRCh38, 1-based): chr2:47,800,804, C>G. VCF-style: chr2-47800804-C-G. GRCh37 (hg19) VCF-style: chr2-48027943-C-G.
Other names: c.2431C>G, p.Leu811Val (NM_001281492.2); c.1915C>G, p.Leu639Val (NM_001281493.2, NM_001281494.2); short protein forms L941V, L639V, L811V.
Identifiers: ClinVar variation 428345 (VCV000428345.7), dbSNP rs1114167730, ClinGen allele CA346755671.